The following is an entry in ClinVar:

ClinVar aggregate classification (germline): Uncertain significance. Review status: criteria provided, multiple submitters, no conflicts (2 of 4 stars). 2 submissions from 2 submitters: Uncertain significance (2). Last evaluated 2023-06-22.

Conditions:
Cholestasis-pigmentary retinopathy-cleft palate syndrome (HDKR). Also called: Hardikar Syndrome (HS). Identifiers: Orphanet 1415, MedGen C0795969, MeSH C535632, MONDO:0012997, OMIM 301068.

Submissions (2):

Neuberg Centre For Genomic Medicine, NCGM
Classification: Uncertain significance for Cholestasis-pigmentary retinopathy-cleft palate syndrome. Last evaluated: 2023-06-22. Review status: criteria provided, single submitter. Criteria: ACMG Guidelines, 2015. Collection method: clinical testing. Allele origin: germline. Inheritance: Autosomal dominant inheritance. Affected: yes.
Comment: The observed missense variant c.2963A>G(p.Lys988Arg) in MED12 gene has not been reported previously as a pathogenic variant nor as a benign variant, to our knowledge. This variant is absent in gnomAD Exomes. It has been submitted to ClinVar as Uncertain Significance. However, no details are available for independent assessment. The amino acid Lys at position 988 is changed to a Arg changing protein sequence and it might alter its composition and physico-chemical properties. Computational evidence (Polyphen-Possibly damaging, SIFT-Tolerated and MutationTaster-disease causing) predicts conflicting evidence on protein structure and function for this variant. The reference amino acid p.Lys988Arg in MED12 is predicted as conserved by GERP++ and PhyloP across 100 vertebrates. For these reasons, this variant has been classified as Uncertain Significance.

GeneDx
Classification: Uncertain significance. Last evaluated: 2019-08-12. Review status: criteria provided, single submitter. Criteria: GeneDx Variant Classification Process June 2021. Collection method: clinical testing. Allele origin: germline. Affected: yes.
Comment: Not observed in large population cohorts (Lek et al., 2016); In silico analysis, which includes protein predictors and evolutionary conservation, supports that this variant does not alter protein structure/function; Has not been previously published as pathogenic or benign to our knowledge

NM_005120.3(MED12):c.2963A>G (p.Lys988Arg)

Gene: MED12 (mediator complex subunit 12; plus strand). Cytogenetic location: Xq13.1.
Variant type: single nucleotide variant.
Coding change: c.2963A>G on transcript NM_005120.3 (MANE Select); coding-DNA position 2963, A replaced by G.
Protein change: p.Lys988Arg; replaces lysine 988 with arginine.
Molecular consequence: missense variant.
Genome position (GRCh38, 1-based): chrX:71,127,449, A>G. VCF-style: chrX-71127449-A-G. GRCh37 (hg19) VCF-style: chrX-70347299-A-G.
Other names: short protein forms K988R.
Identifiers: ClinVar variation 1307830 (VCV001307830.3), dbSNP rs2147799533, ClinGen allele CA413516698.